The following is an entry in ClinVar:

NM_000257.4(MYH7):c.3019C>A (p.Leu1007Met)

Gene: MYH7 (myosin heavy chain 7; minus strand). Cytogenetic location: 14q11.2.
Variant type: single nucleotide variant.
Coding change: c.3019C>A on transcript NM_000257.4 (MANE Select); coding-DNA position 3019, C replaced by A.
Protein change: p.Leu1007Met; replaces leucine 1007 with methionine.
Molecular consequence: missense variant.
Genome position (GRCh38, 1-based): chr14:23,423,627, G>T on the plus strand (C>A on the coding strand, the complement: MYH7 is on the minus strand). VCF-style: chr14-23423627-G-T. GRCh37 (hg19) VCF-style: chr14-23892836-G-T.
Other names: c.3019C>A, p.Leu1007Met (NM_001407004.1); short protein forms L1007M.
Identifiers: ClinVar variation 3387322 (VCV003387322.2).

ClinVar aggregate classification (germline): Uncertain significance. Review status: criteria provided, multiple submitters, no conflicts (2 of 4 stars). 2 submissions from 2 submitters: Uncertain significance (2). Last evaluated 2024-07-20.

Conditions:
Cardiomyopathy (CMYO). Also called: Cardiomyopathies. Identifiers: Orphanet 167848, MedGen C0878544, MONDO:0004994, HP:0001638. Inheritance: Various modes of inheritance.

Submissions (2):

All of Us Research Program, National Institutes of Health
Classification: Uncertain significance for Cardiomyopathy. Last evaluated: 2024-07-20. Review status: criteria provided, single submitter. Criteria: ACMG Guidelines, 2015. Collection method: clinical testing. Allele origin: germline. Inheritance: Autosomal dominant inheritance. Observed: 1 variant allele, 1 heterozygote.
Comment: This missense variant replaces leucine with methionine at codon 1007 of the MYH7 protein. Computational prediction tools indicate that this variant's impact on protein structure and function is inconclusive. To our knowledge, functional studies have not been reported for this variant. This variant has not been reported in individuals affected with MYH7-related disorders in the literature. This variant has not been identified in the general population by the Genome Aggregation Database (gnomAD). The available evidence is insufficient to determine the role of this variant in disease conclusively. Therefore, this variant is classified as a Variant of Uncertain Significance.

This study involves interpretation of variants in research participants for the purpose of population health screening. Participant phenotype was not available at the time of variant classification. Additional details can be found in publication PMID: 35346344, PMCID: PMC8962531

Color Diagnostics, LLC DBA Color Health
Classification: Uncertain significance for Cardiomyopathy. Last evaluated: 2024-07-13. Review status: criteria provided, single submitter. Criteria: ACMG Guidelines, 2015. Collection method: clinical testing. Allele origin: germline.
Comment: This missense variant replaces leucine with methionine at codon 1007 of the MYH7 protein. Computational prediction tools indicate that this variant's impact on protein structure and function is inconclusive. To our knowledge, functional studies have not been reported for this variant. This variant has not been reported in individuals affected with MYH7-related disorders in the literature. This variant has not been identified in the general population by the Genome Aggregation Database (gnomAD). The available evidence is insufficient to determine the role of this variant in disease conclusively. Therefore, this variant is classified as a Variant of Uncertain Significance.